The following is an entry in ClinVar:

NM_001374504.1(TMPRSS6):c.677_715del (p.Leu226_Trp238del)

Gene: TMPRSS6 (transmembrane serine protease 6; minus strand). Cytogenetic location: 22q12.3.
Variant type: Deletion.
Coding change: c.677_715del on transcript NM_001374504.1 (MANE Select); coding-DNA positions 677 to 715, 39 bases deleted.
Protein change: p.Leu226_Trp238del.
Genome position (GRCh38, 1-based): chr22:37,089,699-37,089,737, 39 bases deleted; deleting any 39 consecutive bases within chr22:37,089,699-37,089,740 gives the same sequence; the c. name uses the placement nearest the transcript's 3' end. GRCh37 (hg19): chr22:37,485,742-37,485,780.
Other names: c.677_715del, p.Leu226_Trp238del (NM_001289000.2, NM_001289001.2, NM_153609.4).
Identifiers: ClinVar variation 3640962 (VCV003640962.2).
Genomic context (GRCh38, chr22:37,089,698, plus strand): 5'-CACTCTGCCAGCGTCCACTCCAGCCGGAGTTTGAGCATGAGGTCCTTGGGGCCCTGCAGG[TGCCACAGGCAGCTGGAGGCCAGGTGGTCAGGCCCCTTCA>T]GCCGGAGGACCTGGCCCTGGCCCACGTAGCTGTAGCGGTAACAACCTGGAGCGGGGAGAG-3'

ClinVar aggregate classification (germline): Uncertain significance (1 of 4 stars; one submission).

Submission:

Labcorp Genetics (formerly Invitae), Labcorp
Classification: Uncertain significance. Last evaluated: 2024-02-14. Review status: criteria provided, single submitter. Criteria: Invitae Variant Classification Sherloc (09022015). Collection method: clinical testing. Allele origin: germline.
Comment: This variant, c.704_742del, results in the deletion of 13 amino acid(s) of the TMPRSS6 protein (p.Leu235_Trp247del), but otherwise preserves the integrity of the reading frame. This variant is not present in population databases (gnomAD no frequency). This variant has not been reported in the literature in individuals affected with TMPRSS6-related conditions. Experimental studies and prediction algorithms are not available or were not evaluated, and the functional significance of this variant is currently unknown. In summary, the available evidence is currently insufficient to determine the role of this variant in disease. Therefore, it has been classified as a Variant of Uncertain Significance.